The following is an entry in ClinVar:

NM_001395002.1(MAP4K4):c.124-3C>T

Gene: MAP4K4 (mitogen-activated protein kinase kinase kinase kinase 4; plus strand). Cytogenetic location: 2q11.2.
Variant type: single nucleotide variant.
Coding change: c.124-3C>T on transcript NM_001395002.1 (MANE Select); 3 bases into the intron before coding-DNA position 124, C replaced by T.
Molecular consequence: intron variant.
Genome position (GRCh38, 1-based): chr2:101,790,717, C>T. VCF-style: chr2-101790717-C-T. GRCh37 (hg19) VCF-style: chr2-102407179-C-T.
Other names: c.124-3C>T (NM_001384506.1, NM_001384497.1, NM_001384486.1 and 28 more transcripts); c.97-3C>T (NM_001384579.1, NM_001384555.1, NM_001384572.1 and 16 more transcripts).
Identifiers: ClinVar variation 514744 (VCV000514744.3), dbSNP rs373459163, ClinGen allele CA1806668.

ClinVar aggregate classification (germline): Likely benign. Review status: criteria provided, multiple submitters, no conflicts (2 of 4 stars). 2 submissions from 2 submitters: Likely benign (2). Last evaluated 2018-01-09.

Allele frequency attached by ClinVar (database versions not stated): ESP Exome Variant Server 0.00008; gnomAD exomes 0.00012 and 0.00017; gnomAD 0.00018 and 0.00019; 1000 Genomes Project 0.00020; TOPMed 0.00023; ExAC 0.00024; 1000 Genomes Project 30x 0.00031.

Submissions (2):

GeneDx
Classification: Likely benign. Last evaluated: 2018-01-09. Review status: criteria provided, single submitter. Criteria: GeneDx Variant Classification (06012015). Collection method: clinical testing. Allele origin: germline. Affected: yes.
Comment: This variant is considered likely benign or benign based on one or more of the following criteria: it is a conservative change, it occurs at a poorly conserved position in the protein, it is predicted to be benign by multiple in silico algorithms, and/or has population frequency not consistent with disease.

Breakthrough Genomics
Classification: Likely benign. Review status: criteria provided, single submitter. Criteria: ACMG Guidelines, 2015. Collection method: not provided. Allele origin: germline. Inheritance: Unknown mechanism. Affected: yes.